The following is an entry in ClinVar:

NM_002439.5(MSH3):c.1372A>T (p.Met458Leu)

Gene: MSH3 (mutS homolog 3; plus strand). Cytogenetic location: 5q14.1.
Variant type: single nucleotide variant.
Coding change: c.1372A>T on transcript NM_002439.5 (MANE Select); coding-DNA position 1372, A replaced by T.
Protein change: p.Met458Leu; replaces methionine 458 with leucine.
Molecular consequence: missense variant.
Genome position (GRCh38, 1-based): chr5:80,725,484, A>T. VCF-style: chr5-80725484-A-T. GRCh37 (hg19) VCF-style: chr5-80021303-A-T.
Other names: c.1372A>T (NM_002439.3); short protein forms M458L.
Identifiers: ClinVar variation 1489721 (VCV001489721.9), dbSNP rs2112855441, ClinGen allele CA360273413.

ClinVar aggregate classification (germline): Uncertain significance. Review status: criteria provided, multiple submitters, no conflicts (2 of 4 stars). 2 submissions from 2 submitters: Uncertain significance (2). Last evaluated 2023-08-26.

Conditions:
Hereditary cancer-predisposing syndrome. Also called: Tumor predisposition; Hereditary neoplastic syndrome; Neoplastic Syndromes, Hereditary; Hereditary Cancer Syndrome. Identifiers: Orphanet 140162, MedGen C0027672, MeSH D009386, MONDO:0015356.

Submissions (2):

Ambry Genetics
Classification: Uncertain significance for Hereditary cancer-predisposing syndrome. Last evaluated: 2023-08-26. Review status: criteria provided, single submitter. Criteria: Ambry Variant Classification Scheme 2023. Collection method: clinical testing. Allele origin: germline.
Comment: The p.M458L variant (also known as c.1372A>T), located in coding exon 9 of the MSH3 gene, results from an A to T substitution at nucleotide position 1372. The methionine at codon 458 is replaced by leucine, an amino acid with highly similar properties. This amino acid position is conserved on limited sequence alignment. In addition, the in silico prediction for this alteration is inconclusive. Since supporting evidence is limited at this time, the clinical significance of this alteration remains unclear.

Labcorp Genetics (formerly Invitae), Labcorp
Classification: Uncertain significance. Last evaluated: 2021-05-08. Review status: criteria provided, single submitter. Criteria: Invitae Variant Classification Sherloc (09022015). Collection method: clinical testing. Allele origin: germline.
Comment: In summary, the available evidence is currently insufficient to determine the role of this variant in disease. Therefore, it has been classified as a Variant of Uncertain Significance. Algorithms developed to predict the effect of sequence changes on RNA splicing suggest that this variant may create or strengthen a splice site, but this prediction has not been confirmed by published transcriptional studies. Algorithms developed to predict the effect of missense changes on protein structure and function are either unavailable or do not agree on the potential impact of this missense change (SIFT: "Deleterious"; PolyPhen-2: "Benign"; Align-GVGD: "Class C0"). This variant has not been reported in the literature in individuals with MSH3-related conditions. This variant is not present in population databases (ExAC no frequency). This sequence change replaces methionine with leucine at codon 458 of the MSH3 protein (p.Met458Leu). The methionine residue is moderately conserved and there is a small physicochemical difference between methionine and leucine.